The following is an entry in ClinVar:

NM_000092.5(COL4A4):c.3166C>G (p.Pro1056Ala)

Gene: COL4A4 (collagen type IV alpha 4 chain; minus strand). Cytogenetic location: 2q36.3.
Variant type: single nucleotide variant.
Coding change: c.3166C>G on transcript NM_000092.5 (MANE Select); coding-DNA position 3166, C replaced by G.
Protein change: p.Pro1056Ala; replaces proline 1056 with alanine.
Molecular consequence: missense variant.
Genome position (GRCh38, 1-based): chr2:227,050,116, G>C on the plus strand (C>G on the coding strand, the complement: COL4A4 is on the minus strand). VCF-style: chr2-227050116-G-C. GRCh37 (hg19) VCF-style: chr2-227914832-G-C.
Other names: short protein forms P1056A.
Identifiers: ClinVar variation 4699031 (VCV004699031.2).

ClinVar aggregate classification (germline): Uncertain significance. Review status: criteria provided, multiple submitters, no conflicts (2 of 4 stars). 2 submissions from 2 submitters: Uncertain significance (2). Last evaluated 2025-12-01.

Conditions:
COL4A4-related disorder.

gnomAD v4.1: 2 of 1,614,156 alleles (0.00012%); highest among the groups gnomAD compares: Non-Finnish European, 0.00017%; no homozygotes.

Submissions (2):

Labcorp Genetics (formerly Invitae), Labcorp
Classification: Uncertain significance. Last evaluated: 2025-12-01. Review status: criteria provided, single submitter. Criteria: Invitae Variant Classification Sherloc (09022015). Collection method: clinical testing. Allele origin: germline.
Comment: This sequence change replaces proline, which is neutral and non-polar, with alanine, which is neutral and non-polar, at codon 1056 of the COL4A4 protein (p.Pro1056Ala). This variant is not present in population databases (gnomAD no frequency). This variant has not been reported in the literature in individuals affected with COL4A4-related conditions. Invitae Evidence Modeling of protein sequence and biophysical properties (such as structural, functional, and spatial information, amino acid conservation, physicochemical variation, residue mobility, and thermodynamic stability) indicates that this missense variant is not expected to disrupt COL4A4 protein function with a negative predictive value of 95%. In summary, the available evidence is currently insufficient to determine the role of this variant in disease. Therefore, it has been classified as a Variant of Uncertain Significance.

PreventionGenetics, part of Exact Sciences
Classification: Uncertain significance for COL4A4-related condition. Last evaluated: 2025-02-22. Review status: criteria provided, single submitter. Criteria: ACMG Guidelines, 2015. Collection method: clinical testing. Allele origin: germline.
Comment: The COL4A4 c.3166C>G variant is predicted to result in the amino acid substitution p.Pro1056Ala. To our knowledge, this variant has not been reported in the literature or in a large population database (gnomAD), indicating this variant is rare. At this time, the clinical significance of this variant is uncertain due to the absence of conclusive functional and genetic evidence.